The following is an entry in ClinVar:

ClinVar aggregate classification (germline): Conflicting classifications of pathogenicity. Review status: criteria provided, conflicting classifications (1 of 4 stars). 10 submissions from 10 submitters: Uncertain significance (2); Benign (2); Likely benign (4). 2 of the submissions do not count toward it. Last evaluated 2026-01-26.

Conditions:
Dystrophin deficiency.
Duchenne muscular dystrophy (DMD). Also called: MUSCULAR DYSTROPHY, PSEUDOHYPERTROPHIC PROGRESSIVE, DUCHENNE TYPE; Duchenne Muscular Dystrophy (DMD). Identifiers: Orphanet 98896, MedGen C0013264, MONDO:0010679, OMIM 310200.
Cardiomyopathy (CMYO). Also called: Cardiomyopathies. Identifiers: Orphanet 167848, MedGen C0878544, MONDO:0004994, HP:0001638. Inheritance: Various modes of inheritance.
Becker muscular dystrophy (BMD). Also called: MUSCULAR DYSTROPHY, PSEUDOHYPERTROPHIC PROGRESSIVE, BECKER TYPE; Becker Muscular Dystrophy (BMD). Identifiers: Orphanet 98895, MedGen C0917713, MONDO:0010311, OMIM 300376.
Cardiovascular phenotype. Identifiers: MedGen CN230736.
DMD-related disorder. Also called: DMD-related condition.
Dilated cardiomyopathy 3B (CMD3B). Also called: CMD3B: DMD-Related Dilated Cardiomyopathy; CARDIOMYOPATHY, DILATED, X-LINKED; DMD-Associated Dilated Cardiomyopathy. Identifiers: Orphanet 154, MedGen C3668940, MONDO:0010542, OMIM 302045.

Allele frequency attached by ClinVar (database versions not stated): gnomAD 0.00032; TOPMed 0.00068; ESP Exome Variant Server 0.00076; 1000 Genomes Project 0.00079; 1000 Genomes Project 30x 0.00083.
gnomAD v4.1: 109 of 1,209,271 alleles (0.009%); highest among the groups gnomAD compares: African/African-American, 0.17%; no homozygotes.

Submissions (11):

Labcorp Genetics (formerly Invitae), Labcorp
Classification: Likely benign for Duchenne muscular dystrophy. Last evaluated: 2026-01-26. Review status: criteria provided, single submitter. Criteria: Invitae Variant Classification Sherloc (09022015). Collection method: clinical testing. Allele origin: germline.

CeGaT Center for Human Genetics Tuebingen
Classification: Likely benign. Last evaluated: 2025-11-01. Review status: criteria provided, single submitter. Criteria: CeGaT Center For Human Genetics Tuebingen Variant Classification Criteria Version 2. Collection method: clinical testing. Allele origin: germline. Affected: yes. Observed: 1 variant allele.
Comment: DMD: BP4, BS2

Mayo Clinic Laboratories, Mayo Clinic
Classification: Benign. Last evaluated: 2025-05-01. Review status: criteria provided, single submitter. Criteria: ACMG Guidelines, 2015. Collection method: clinical testing. Allele origin: germline. Observed: 1 variant allele.
Comment: BS1, BS2, BP4_moderate

Molecular Diagnostic Laboratory for Inherited Cardiovascular Disease, Montreal Heart Institute
Classification: Likely benign. Last evaluated: 2025-04-09. Review status: criteria provided, single submitter. Criteria: ACMG Guidelines, 2015. Collection method: clinical testing. Allele origin: germline. Affected: no.

GeneDx
Classification: Benign. Last evaluated: 2020-08-26. Review status: criteria provided, single submitter. Criteria: GeneDx Variant Classification Process June 2021. Collection method: clinical testing. Allele origin: germline. Affected: yes.

Eurofins Ntd Llc (ga)
Classification: Uncertain significance. Last evaluated: 2018-06-01. Review status: criteria provided, single submitter. Criteria: EGL ClinVar v180209 classification definitions. Collection method: clinical testing. Allele origin: germline. Observed: 4 variant alleles, 1 heterozygote, 3 hemizygotes.

Illumina Laboratory Services, Illumina
Classification: Uncertain significance for Dilated cardiomyopathy 3B. Last evaluated: 2018-01-12. Review status: criteria provided, single submitter. Criteria: ICSL Variant Classification Criteria 13 December 2019. Collection method: clinical testing. Allele origin: germline.

Ambry Genetics
Classification: Likely benign for Cardiovascular phenotype. Last evaluated: 2017-10-19. Review status: criteria provided, single submitter. Criteria: Ambry Variant Classification Scheme 2023. Collection method: clinical testing. Allele origin: germline.

PreventionGenetics, part of Exact Sciences
Classification: Likely benign for DMD-related condition. Last evaluated: 2022-07-15. Review status: no assertion criteria provided. Collection method: clinical testing. Allele origin: germline. Not counted in ClinVar's aggregate classification.
Comment: This variant is classified as likely benign based on ACMG/AMP sequence variant interpretation guidelines (Richards et al. 2015 PMID: 25741868, with internal and published modifications).

Natera, Inc.
Classification: Likely benign for Becker muscular dystrophy; Cardiomyopathy; Duchenne muscular dystrophy; Dystrophin deficiency. Last evaluated: 2019-08-02. Review status: no assertion criteria provided. Collection method: clinical testing. Allele origin: germline. Not counted in ClinVar's aggregate classification.

Dr. Peter K. Rogan Lab, Western University
No classification provided (evidence only). Condition: Thyroid cancer, nonmedullary, 1. Review status: no classification provided. Collection method: in vitro. Allele origin: not applicable. Functional consequence: retained intron. Not counted in ClinVar's aggregate classification.

NM_004006.3(DMD):c.8767G>T (p.Ala2923Ser)

Gene: DMD (dystrophin; minus strand). Cytogenetic location: Xp21.2.
Variant type: single nucleotide variant.
Coding change: c.8767G>T on transcript NM_004006.3 (MANE Select); coding-DNA position 8767, G replaced by T.
Protein change: p.Ala2923Ser; replaces alanine 2923 with serine.
Molecular consequence: missense variant.
Genome position (GRCh38, 1-based): chrX:31,478,276, C>A on the plus strand (G>T on the coding strand, the complement: DMD is on the minus strand). VCF-style: chrX-31478276-C-A. GRCh37 (hg19) VCF-style: chrX-31496393-C-A.
Other names: c.8743G>T, p.Ala2915Ser (NM_000109.4); c.8755G>T, p.Ala2919Ser (NM_004009.3); c.8398G>T, p.Ala2800Ser (NM_004010.3); c.4744G>T, p.Ala1582Ser (NM_004011.4); c.4735G>T, p.Ala1579Ser (NM_004012.4); c.1387G>T, p.Ala463Ser (NM_004013.3, NM_004020.4, NM_004021.3 and 2 more transcripts); c.580G>T, p.Ala194Ser (NM_004014.3); short protein forms A1579S, A1582S, A194S, A2915S, A463S, A2800S, A2919S.
Identifiers: ClinVar variation 94816 (VCV000094816.37), dbSNP rs116283249, ClinGen allele CA222518.